The following is an entry in ClinVar:

ClinVar aggregate classification (germline): Uncertain significance. Review status: criteria provided, multiple submitters, no conflicts (2 of 4 stars). 2 submissions from 2 submitters: Uncertain significance (2). Last evaluated 2025-01-07.

Conditions:
Inborn genetic diseases. Identifiers: MedGen C0950123, MeSH D030342.

Allele frequency attached by ClinVar (database versions not stated): gnomAD 0.00005; gnomAD exomes 0.00007; TOPMed 0.00009; ExAC 0.00012; 1000 Genomes Project 30x 0.00016; ESP Exome Variant Server 0.00017.
gnomAD v4.1: 116 of 1,607,968 alleles (0.0072%); highest among the groups gnomAD compares: Non-Finnish European, 0.0074%; no homozygotes.

Submissions (2):

Ambry Genetics
Classification: Uncertain significance for Inborn genetic diseases. Last evaluated: 2025-01-07. Review status: criteria provided, single submitter. Criteria: Ambry Variant Classification Scheme 2023. Collection method: clinical testing. Allele origin: germline.

CeGaT Center for Human Genetics Tuebingen
Classification: Uncertain significance. Last evaluated: 2023-09-01. Review status: criteria provided, single submitter. Criteria: CeGaT Center For Human Genetics Tuebingen Variant Classification Criteria Version 2. Collection method: clinical testing. Allele origin: germline. Affected: yes. Observed: 1 variant allele.
Comment: MYO5A: PM2

NM_001382347.1(MYO5A):c.4349C>T (p.Thr1450Met)

Gene: MYO5A (myosin VA; minus strand). Cytogenetic location: 15q21.2.
Variant type: single nucleotide variant.
Coding change: c.4349C>T on transcript NM_001382347.1 (MANE Select); coding-DNA position 4349, C replaced by T.
Protein change: p.Thr1450Met; replaces threonine 1450 with methionine.
Molecular consequence: missense variant.
Genome position (GRCh38, 1-based): chr15:52,336,522, G>A on the plus strand (C>T on the coding strand, the complement: MYO5A is on the minus strand). VCF-style: chr15-52336522-G-A. GRCh37 (hg19) VCF-style: chr15-52628719-G-A.
Other names: c.4274C>T, p.Thr1425Met (NM_000259.3); c.4193C>T, p.Thr1398Met (NM_001142495.2); c.4421C>T, p.Thr1474Met (NM_001382348.1); c.4346C>T, p.Thr1449Met (NM_001382349.1); c.4265C>T, p.Thr1422Met (NM_001411135.1); short protein forms T1398M, T1422M, T1425M, T1449M, T1450M, T1474M.
Identifiers: ClinVar variation 2645358 (VCV002645358.25), dbSNP rs201575346, ClinGen allele CA7568138.
Genomic context (GRCh38, chr15:52,336,522, plus strand): 5'-CCTTCTAGTTCGCCAATTTTTTTGGCAAATACTTTCAGTTGTTTTTTCAGTTTACGGACC[G>A]TCTTATCCTGTTTTTCAAGTTGTTCCATCAAATCCTAAAGATCAAAAAGAGAAATATATT-3'
Protein context (NP_001369276.1, residues 1440-1460): LMEQLEKQDK[Thr1450Met]VRKLKKQLKV